The following is an entry in ClinVar:

NM_000540.3(RYR1):c.2647C>A (p.Leu883Ile)

Gene: RYR1 (ryanodine receptor 1; plus strand). Cytogenetic location: 19q13.2.
Variant type: single nucleotide variant.
Coding change: c.2647C>A on transcript NM_000540.3 (MANE Select); coding-DNA position 2647, C replaced by A.
Protein change: p.Leu883Ile; replaces leucine 883 with isoleucine.
Molecular consequence: missense variant.
Genome position (GRCh38, 1-based): chr19:38,463,492, C>A. VCF-style: chr19-38463492-C-A. GRCh37 (hg19) VCF-style: chr19-38954132-C-A.
Other names: c.2647C>A, p.Leu883Ile (NM_001042723.2); short protein forms L883I.
Identifiers: ClinVar variation 3075403 (VCV003075403.1), dbSNP rs1967900208, ClinGen allele CA405632024.

ClinVar aggregate classification (germline): Uncertain significance (1 of 4 stars; one submission).

Conditions:
Malignant hyperthermia, susceptibility to, 1 (MHS1). Also called: Anesthesia related hyperthermia; Malignant hyperpyrexia; Fulminating hyperpyrexia; Pharmacogenic myopathy; RYR1-Related Malignant Hyperthermia Susceptibility; Malignant hyperthermia suceptibility 1. Identifiers: Orphanet 423, MedGen C2930980, MONDO:0007783, OMIM 145600.

Submission:

All of Us Research Program, National Institutes of Health
Classification: Uncertain significance for Malignant hyperthermia, susceptibility to, 1. Last evaluated: 2024-02-05. Review status: criteria provided, single submitter. Criteria: ACMG Guidelines, 2015. Collection method: clinical testing. Allele origin: germline. Inheritance: Autosomal dominant inheritance. Observed: 1 variant allele, 1 heterozygote.
Comment: This missense variant replaces leucine with isoleucine at codon 883 of the RYR1 protein. Computational prediction suggests that this variant may not impact protein structure and function (internally defined REVEL score threshold <= 0.5, PMID: 27666373). To our knowledge, functional studies have not been reported for this variant. This variant has not been reported in individuals affected with RYR1-related disorders in the literature. This variant has not been identified in the general population by the Genome Aggregation Database (gnomAD). The available evidence is insufficient to determine the role of this variant in disease conclusively. Therefore, this variant is classified as a Variant of Uncertain Significance.

This study involves interpretation of variants in research participants for the purpose of population health screening. Participant phenotype was not available at the time of variant classification. Additional details can be found in publication PMID: 35346344, PMCID: PMC8962531